The following is an entry in ClinVar:

ClinVar aggregate classification (germline): Uncertain significance (1 of 4 stars; one submission).

Conditions:
Inborn genetic diseases. Identifiers: MedGen C0950123, MeSH D030342.

gnomAD v4.1: 2 of 1,613,404 alleles (0.00012%); highest among the groups gnomAD compares: Admixed American, 0.0033%; no homozygotes.

Submission:

Ambry Genetics
Classification: Uncertain significance for Inborn genetic diseases. Last evaluated: 2021-06-24. Review status: criteria provided, single submitter. Criteria: Ambry Variant Classification Scheme 2023. Collection method: clinical testing. Allele origin: germline.
Comment: The c.617-6C>G intronic alteration consists of a C to G substitution 6 nucleotides before exon 6 of the GPAA1 gene. Based on insufficient or conflicting evidence, the clinical significance of this alteration remains unclear.

NM_003801.4(GPAA1):c.617-6C>G

Gene: GPAA1 (glycosylphosphatidylinositol anchor attachment 1; plus strand). Cytogenetic location: 8q24.3.
Variant type: single nucleotide variant.
Coding change: c.617-6C>G on transcript NM_003801.4 (MANE Select); 6 bases into the intron before coding-DNA position 617, C replaced by G.
Molecular consequence: intron variant.
Genome position (GRCh38, 1-based): chr8:144,084,128, C>G. VCF-style: chr8-144084128-C-G. GRCh37 (hg19) VCF-style: chr8-145139031-C-G.
Identifiers: ClinVar variation 2231845 (VCV002231845.2), dbSNP rs373788399, ClinGen allele CA4932887.
Genomic context (GRCh38, chr8:144,084,128, plus strand): 5'-GTCCCCCTCTCAGGGTCACTGTCCTCACCACGTCCTCCATTAGCACTCATTCACTTGCTC[C>G]TACAGGCATGCAGTCGTCTCCCCTGCAGGGCCGAGCTGGGGCCATTCAGGCAGCCGTGGC-3'